The following is an entry in ClinVar:

ClinVar aggregate classification (germline): Uncertain significance (1 of 4 stars; one submission).

Submission:

Labcorp Genetics (formerly Invitae), Labcorp
Classification: Uncertain significance. Last evaluated: 2026-01-14. Review status: criteria provided, single submitter. Criteria: Invitae Variant Classification Sherloc (09022015). Collection method: clinical testing. Allele origin: germline.
Comment: This sequence change replaces isoleucine, which is neutral and non-polar, with valine, which is neutral and non-polar, at codon 697 of the PLOD2 protein (p.Ile697Val). This variant is not present in population databases (gnomAD no frequency). This variant has not been reported in the literature in individuals affected with PLOD2-related conditions. Invitae Evidence Modeling of protein sequence and biophysical properties (such as structural, functional, and spatial information, amino acid conservation, physicochemical variation, residue mobility, and thermodynamic stability) indicates that this missense variant is not expected to disrupt PLOD2 protein function with a negative predictive value of 80%. In summary, the available evidence is currently insufficient to determine the role of this variant in disease. Therefore, it has been classified as a Variant of Uncertain Significance.

NM_182943.3(PLOD2):c.2089A>G (p.Ile697Val)

Gene: PLOD2 (procollagen-lysine,2-oxoglutarate 5-dioxygenase 2; minus strand). Cytogenetic location: 3q24.
Variant type: single nucleotide variant.
Coding change: c.2089A>G on transcript NM_182943.3 (MANE Select); coding-DNA position 2089, A replaced by G.
Protein change: p.Ile697Val; replaces isoleucine 697 with valine.
Molecular consequence: missense variant.
Genome position (GRCh38, 1-based): chr3:146,071,074, T>C on the plus strand (A>G on the coding strand, the complement: PLOD2 is on the minus strand). VCF-style: chr3-146071074-T-C. GRCh37 (hg19) VCF-style: chr3-145788861-T-C.
Other names: c.2026A>G, p.Ile676Val (NM_000935.3); short protein forms I697V, I676V.
Identifiers: ClinVar variation 4771991 (VCV004771991.1).